The following is an entry in ClinVar:

NM_018325.5(C9orf72):c.899A>G (p.Tyr300Cys)

Gene: C9orf72 (C9orf72-SMCR8 complex subunit; minus strand). Cytogenetic location: 9p21.2.
Variant type: single nucleotide variant.
Coding change: c.899A>G on transcript NM_018325.5 (MANE Select); coding-DNA position 899, A replaced by G.
Protein change: p.Tyr300Cys; replaces tyrosine 300 with cysteine.
Molecular consequence: missense variant.
Genome position (GRCh38, 1-based): chr9:27,556,753, T>C on the plus strand (A>G on the coding strand, the complement: C9orf72 is on the minus strand). VCF-style: chr9-27556753-T-C. GRCh37 (hg19) VCF-style: chr9-27556751-T-C.
Other names: c.899A>G, p.Tyr300Cys (NM_001256054.3); short protein forms Y300C.
Identifiers: ClinVar variation 4991115 (VCV004991115.1).

ClinVar aggregate classification (germline): Uncertain significance (1 of 4 stars; one submission).

Conditions:
C9orf72-related disorder. Also called: C9orf72-related condition.

gnomAD v4.1: 1 of 1,613,940 alleles (0.000062%); no homozygotes.

Submission:

PreventionGenetics, part of Exact Sciences
Classification: Uncertain significance for C9orf72-related condition. Last evaluated: 2025-09-12. Review status: criteria provided, single submitter. Criteria: ACMG Guidelines, 2015. Collection method: clinical testing. Allele origin: germline.
Comment: The C9orf72 c.899A>G variant is predicted to result in the amino acid substitution p.Tyr300Cys. To our knowledge, this variant has not been reported in the literature or in a large population database (gnomAD), indicating this variant is rare. At this time, the clinical significance of this variant is uncertain due to the absence of conclusive functional and genetic evidence.